The following is an entry in ClinVar:

NM_000059.4(BRCA2):c.6583G>A (p.Gly2195Ser)

Gene: BRCA2 (BRCA2 DNA repair associated; plus strand). Cytogenetic location: 13q13.1.
Variant type: single nucleotide variant.
Coding change: c.6583G>A on transcript NM_000059.4 (MANE Select); coding-DNA position 6583, G replaced by A.
Protein change: p.Gly2195Ser; replaces glycine 2195 with serine.
Molecular consequence: missense variant.
Genome position (GRCh38, 1-based): chr13:32,340,938, G>A. VCF-style: chr13-32340938-G-A. GRCh37 (hg19) VCF-style: chr13-32915075-G-A.
Other names: short protein forms G2195S.
Identifiers: ClinVar variation 802940 (VCV000802940.3), dbSNP rs1593909184, ClinGen allele CA387789974.
Genomic context (GRCh38, chr13:32,340,938, plus strand): 5'-GAGAACATTCATGTTTTGGGAAAAGAACAGGCTTCACCTAAAAACGTAAAAATGGAAATT[G>A]GTAAAACTGAAACTTTTTCTGATGTTCCTGTGAAAACAAATATAGAAGTTTGTTCTACTT-3'
Protein context (NP_000050.3, residues 2185-2205): ASPKNVKMEI[Gly2195Ser]KTETFSDVPV

ClinVar aggregate classification (germline): Likely benign. Review status: criteria provided, multiple submitters, no conflicts (2 of 4 stars). 2 submissions from 2 submitters: Likely benign (2). Last evaluated 2023-03-23.

Conditions:
Hereditary cancer-predisposing syndrome. Also called: Hereditary Cancer Syndrome; Neoplastic Syndromes, Hereditary; Hereditary neoplastic syndrome; Tumor predisposition. Identifiers: Orphanet 140162, MedGen C0027672, MeSH D009386, MONDO:0015356.
Breast-ovarian cancer, familial, susceptibility to, 2 (BROVCA2). Also called: BRCA2 Hereditary Breast and Ovarian Cancer. Identifiers: Orphanet 145, MedGen C2675520, MONDO:0012933, OMIM 612555. Disease mechanism: loss of function.

Submissions (2):

University of Washington Department of Laboratory Medicine, University of Washington
Classification: Likely benign for Hereditary cancer-predisposing syndrome. Last evaluated: 2023-03-23. Review status: criteria provided, single submitter. Criteria: Dines et al. (Genet Med. 2020). Collection method: curation. Allele origin: germline.
Comment: Missense variant in a coldspot region where missense variants are very unlikely to be pathogenic (PMID:31911673).

BRCA2 exon 11 coldspot. Reclassification based on statistical prior probability.

Mendelics
Classification: Likely benign for Breast-ovarian cancer, familial, susceptibility to, 2. Last evaluated: 2019-05-28. Review status: criteria provided, single submitter. Criteria: Mendelics Assertion Criteria 2017. Collection method: clinical testing. Allele origin: unknown.